The following is an entry in ClinVar:

ClinVar aggregate classification (germline): Uncertain significance. Review status: criteria provided, multiple submitters, no conflicts (2 of 4 stars). 3 submissions from 3 submitters: Uncertain significance (3). Last evaluated 2026-03-05.

Conditions:
Breast-ovarian cancer, familial, susceptibility to, 4. Identifiers: Orphanet 145, MedGen C3280345, MONDO:0013669, OMIM 614291.
Hereditary cancer-predisposing syndrome. Also called: Hereditary Cancer Syndrome; Tumor predisposition; Neoplastic Syndromes, Hereditary; Hereditary neoplastic syndrome. Identifiers: Orphanet 140162, MedGen C0027672, MeSH D009386, MONDO:0015356.

Submissions (3):

Ambry Genetics
Classification: Uncertain significance for Hereditary cancer-predisposing syndrome. Last evaluated: 2026-03-05. Review status: criteria provided, single submitter. Criteria: Ambry Variant Classification Scheme 2023. Collection method: clinical testing. Allele origin: germline.
Comment: The c.345+5A>C intronic variant results from an A to C substitution 5 nucleotides after coding exon 4 in the RAD51D gene. This nucleotide position is not well conserved in available vertebrate species. In silico splice site analysis predicts that this alteration will not have any significant effect on splicing. Based on the available evidence, the clinical significance of this variant remains unclear.

Color Diagnostics, LLC DBA Color Health
Classification: Uncertain significance for Hereditary cancer-predisposing syndrome. Last evaluated: 2020-02-04. Review status: criteria provided, single submitter. Criteria: ACMG Guidelines, 2015. Collection method: clinical testing. Allele origin: germline.
Comment: This variant causes an A>C nucleotide substitution at the +5 position of intron 4 of the RAD51D gene. To our knowledge, functional studies have not been performed for this variant. This variant has not been reported in individuals affected with hereditary cancer in the literature. This variant has not been identified in the general population by the Genome Aggregation Database (gnomAD). The available evidence is insufficient to determine the role of this variant in disease conclusively. Therefore, this variant is classified as a Variant of Uncertain Significance.

Labcorp Genetics (formerly Invitae), Labcorp
Classification: Uncertain significance for Breast-ovarian cancer, familial, susceptibility to, 4. Last evaluated: 2019-05-08. Review status: criteria provided, single submitter. Criteria: Invitae Variant Classification Sherloc (09022015). Collection method: clinical testing. Allele origin: germline.
Comment: In summary, the available evidence is currently insufficient to determine the role of this variant in disease. Therefore, it has been classified as a Variant of Uncertain Significance. Nucleotide substitutions within the consensus splice site are a relatively common cause of aberrant splicing (PMID: 17576681, 9536098). Algorithms developed to predict the effect of sequence changes on RNA splicing suggest that this variant is not likely to affect RNA splicing, but this prediction has not been confirmed by published transcriptional studies. This variant has not been reported in the literature in individuals with RAD51D-related conditions. This variant is not present in population databases (ExAC no frequency). This sequence change falls in intron 4 of the RAD51D gene. It does not directly change the encoded amino acid sequence of the RAD51D protein, but it affects a nucleotide within the consensus splice site of the intron.

Literature cited by the submitters: PubMed 17576681 (cited by Labcorp Genetics (formerly Invitae), Labcorp); PubMed 9536098 (cited by Labcorp Genetics (formerly Invitae), Labcorp).

NM_002878.4(RAD51D):c.345+5A>C

Genes: RAD51D (RAD51 paralog D; minus strand), RAD51L3-RFFL (RAD51L3-RFFL readthrough; minus strand). Cytogenetic location: 17q12.
Variant type: single nucleotide variant.
Coding change: c.345+5A>C on transcript NM_002878.4 (MANE Select); 5 bases into the intron after coding-DNA position 345, A replaced by C.
Molecular consequence: intron variant.
Genome position (GRCh38, 1-based): chr17:35,107,361, T>G on the plus strand (A>C on the coding strand, the complement: RAD51D is on the minus strand). VCF-style: chr17-35107361-T-G. GRCh37 (hg19) VCF-style: chr17-33434380-T-G.
Other names: c.145-880A>C (NM_133629.3); c.405+5A>C (NM_001142571.2).
Identifiers: ClinVar variation 853861 (VCV000853861.11), dbSNP rs878854562, ClinGen allele CA916081883.